The following is an entry in ClinVar:

NM_030973.4(MED25):c.1691C>T (p.Ala564Val)

Gene: MED25 (mediator complex subunit 25; plus strand). Cytogenetic location: 19q13.33.
Variant type: single nucleotide variant.
Coding change: c.1691C>T on transcript NM_030973.4 (MANE Select); coding-DNA position 1691, C replaced by T.
Protein change: p.Ala564Val; replaces alanine 564 with valine.
Molecular consequence: missense variant.
Genome position (GRCh38, 1-based): chr19:49,835,550, C>T. VCF-style: chr19-49835550-C-T. GRCh37 (hg19) VCF-style: chr19-50338807-C-T.
Other names: c.1691C>T, p.Ala564Val (NM_001378355.1); short protein forms A564V.
Identifiers: ClinVar variation 1302977 (VCV001302977.7), dbSNP rs750211605, ClinGen allele CA9585346.

ClinVar aggregate classification (germline): Uncertain significance. Review status: criteria provided, multiple submitters, no conflicts (2 of 4 stars). 3 submissions from 3 submitters: Uncertain significance (3). Last evaluated 2024-08-14.

Conditions:
Inborn genetic diseases. Identifiers: MedGen C0950123, MeSH D030342.
Charcot-Marie-Tooth disease type 2. Also called: Charcot-Marie-Tooth type 2. Identifiers: Orphanet 64746, MedGen C0270914, MONDO:0018993.

Allele frequency attached by ClinVar (database versions not stated): gnomAD 0.00001 and 0.00002; TOPMed below 0.00001; gnomAD exomes 0.00001; ExAC 0.00006.
gnomAD v4.1: 14 of 1,563,372 alleles (0.0009%); highest among the groups gnomAD compares: Middle Eastern, 0.021%; 1 homozygote.

Submissions (3):

Ambry Genetics
Classification: Uncertain significance for Inborn genetic diseases. Last evaluated: 2024-08-14. Review status: criteria provided, single submitter. Criteria: Ambry Variant Classification Scheme 2023. Collection method: clinical testing. Allele origin: germline.

Labcorp Genetics (formerly Invitae), Labcorp
Classification: Uncertain significance for Charcot-Marie-Tooth disease type 2. Last evaluated: 2021-08-28. Review status: criteria provided, single submitter. Criteria: Invitae Variant Classification Sherloc (09022015). Collection method: clinical testing. Allele origin: germline.
Comment: This sequence change replaces alanine with valine at codon 564 of the MED25 protein (p.Ala564Val). The alanine residue is moderately conserved and there is a small physicochemical difference between alanine and valine. This variant is present in population databases (rs750211605, ExAC 0.01%). This variant has not been reported in the literature in individuals affected with MED25-related conditions. Algorithms developed to predict the effect of missense changes on protein structure and function are either unavailable or do not agree on the potential impact of this missense change (SIFT: "Deleterious"; PolyPhen-2: "Benign"; Align-GVGD: "Class C0"). Algorithms developed to predict the effect of sequence changes on RNA splicing suggest that this variant may create or strengthen a splice site. In summary, the available evidence is currently insufficient to determine the role of this variant in disease. Therefore, it has been classified as a Variant of Uncertain Significance.

GeneDx
Classification: Uncertain significance. Last evaluated: 2019-05-21. Review status: criteria provided, single submitter. Criteria: GeneDx Variant Classification Process June 2021. Collection method: clinical testing. Allele origin: germline. Affected: yes.
Comment: Not observed at a significant frequency in large population cohorts (Lek et al., 2016); In silico analysis, which includes protein predictors and evolutionary conservation, supports that this variant does not alter protein structure/function; Has not been previously published as pathogenic or benign to our knowledge